The following is an entry in ClinVar:

ClinVar aggregate classification (germline): Uncertain significance. Review status: criteria provided, multiple submitters, no conflicts (2 of 4 stars). 3 submissions from 3 submitters: Uncertain significance (2). 1 of the submissions does not count toward it. Last evaluated 2024-04-27.

Conditions:
Focal segmental glomerulosclerosis 2 (FSGS2). Identifiers: Orphanet 656, MedGen C1858915, MONDO:0011390, OMIM 603965.

Submissions (3):

Fulgent Genetics
Classification: Uncertain significance for Focal segmental glomerulosclerosis 2. Last evaluated: 2024-04-27. Review status: criteria provided, single submitter. Criteria: ACMG Guidelines, 2015. Collection method: clinical testing. Allele origin: germline.

Division Of Personalized Genomic Medicine, Columbia University Irving Medical Center
Classification: Uncertain significance for Focal segmental glomerulosclerosis 2. Last evaluated: 2019-11-04. Review status: criteria provided, single submitter. Criteria: ACMG Guidelines, 2015. Collection method: clinical testing. Allele origin: germline. Inheritance: Autosomal dominant inheritance. Observed: 1 heterozygote.
Comment: The c.266G>T variant is a missense variant that substitutes a serine residue to an isoleucine at amino acid position 89 (p.Ser89Ile). This variant localizes to coding exon 2 of the TRPC6 gene (13 coding exons in total; NM_004621.5). Most reported pathogenic variants in TRPC6 are missense. However, to the best of our knowledge, this variant has not been reported in the literature previously. It was also absent in the genome aggregation database (gnomAD), indicating it is not a common benign variant in the population represented in the database. In silico predictors show mixed results for this variant.

Gharavi Laboratory, Columbia University
Classification: Likely pathogenic. Last evaluated: 2018-09-16. Review status: no assertion criteria provided. Criteria: ACMG Guidelines, 2015. Collection method: research. Allele origin: germline. Affected: yes. Not counted in ClinVar's aggregate classification.

NM_004621.6(TRPC6):c.266G>T (p.Ser89Ile)

Gene: TRPC6 (transient receptor potential cation channel subfamily C member 6; minus strand). Cytogenetic location: 11q22.1.
Variant type: single nucleotide variant.
Coding change: c.266G>T on transcript NM_004621.6 (MANE Select); coding-DNA position 266, G replaced by T.
Protein change: p.Ser89Ile; replaces serine 89 with isoleucine.
Molecular consequence: missense variant.
Genome position (GRCh38, 1-based): chr11:101,504,703, C>A on the plus strand (G>T on the coding strand, the complement: TRPC6 is on the minus strand). VCF-style: chr11-101504703-C-A. GRCh37 (hg19) VCF-style: chr11-101375434-C-A.
Other names: short protein forms S89I.
Identifiers: ClinVar variation 562379 (VCV000562379.4), dbSNP rs1565221699, ClinGen allele CA382451504.